The following is an entry in ClinVar:

ClinVar aggregate classification (germline): Pathogenic/Likely pathogenic. Review status: criteria provided, multiple submitters, no conflicts (2 of 4 stars). 5 submissions from 5 submitters: Pathogenic (2); Likely pathogenic (2). 1 of the submissions does not count toward it. Last evaluated 2025-11-12.

Conditions:
Bronchiectasis with or without elevated sweat chloride 1 (BESC1). Also called: Cystic Fibrosis-Like Syndrome. Identifiers: Orphanet 60033, MedGen C2749757, MONDO:0008887, OMIM 211400.
Cystic fibrosis (CF). Also called: MUCOVISCIDOSIS. Identifiers: Orphanet 586, MedGen C0010674, MONDO:0009061, OMIM 219700. Disease mechanism: loss of function.

Allele frequency attached by ClinVar (database versions not stated): TOPMed below 0.00001.

Submissions (5):

Labcorp Genetics (formerly Invitae), Labcorp
Classification: Likely pathogenic for Cystic fibrosis. Last evaluated: 2025-11-12. Review status: criteria provided, single submitter. Criteria: Invitae Variant Classification Sherloc (09022015). Collection method: clinical testing. Allele origin: germline.
Comment: This sequence change falls in intron 24 of the CFTR gene. It does not directly change the encoded amino acid sequence of the CFTR protein. It affects a nucleotide within the consensus splice site. This variant is not present in population databases (gnomAD no frequency). This variant has been observed in individuals with cystic fibrosis (PMID: 18373402, 28603918). This variant is also known as 4096-3C>G. ClinVar contains an entry for this variant (Variation ID: 53864). Variants that disrupt the consensus splice site are a relatively common cause of aberrant splicing (PMID: 17576681, 9536098). Studies have shown that this variant alters mRNA splicing and is expected to lead to the loss of protein expression (PMID: 23381846). In summary, the currently available evidence indicates that the variant is pathogenic, but additional data are needed to prove that conclusively. Therefore, this variant has been classified as Likely Pathogenic.

Women's Health and Genetics/Laboratory Corporation of America, LabCorp
Classification: Pathogenic for Cystic fibrosis. Last evaluated: 2024-04-30. Review status: criteria provided, single submitter. Criteria: LabCorp Variant Classification Summary - May 2015. Collection method: clinical testing. Allele origin: germline.
Comment: Variant summary: CFTR c.3964-3C>G alters a conserved nucleotide located close to a canonical splice site and therefore could affect mRNA splicing, leading to a significantly altered protein sequence. Several computational tools predict a significant impact on normal splicing: Two predict the variant abolishes the canonical 3' acceptor site. Two predict the variant weakens the canonical 3' acceptor site. At least one publication reports experimental evidence that this variant affects mRNA splicing by skipping exon 24 (Raynal_2013). The variant was absent in 251058 control chromosomes. c.3964-3C>G has been reported in the literature in at-least two individuals affected with Cystic Fibrosis (example, Raynal_2013, Lakeman_2008). These data indicate that the variant is very likely to be associated with disease. The following publications have been ascertained in the context of this evaluation (PMID: 18373402, 23381846). ClinVar contains an entry for this variant (Variation ID: 53864). Based on the evidence outlined above, the variant was classified as pathogenic.

Baylor Genetics
Classification: Likely pathogenic for Bronchiectasis with or without elevated sweat chloride 1. Last evaluated: 2023-04-08. Review status: criteria provided, single submitter. Criteria: ACMG Guidelines, 2015. Collection method: clinical testing. Allele origin: unknown.

CFTR-France
Classification: Pathogenic for cystic fibrosis. Last evaluated: 2018-01-29. Review status: criteria provided, single submitter. Criteria: Claustres M et al. (Hum Mutat 2017). Collection method: curation. Allele origin: germline. Affected: yes.

ClinVar Staff, National Center for Biotechnology Information (NCBI)
No classification provided. Condition: CFTR-related disorders. Review status: no classification provided. Collection method: literature only. Allele origin: germline. Affected: yes. Not counted in ClinVar's aggregate classification.

Literature cited by the submitters: PubMed 18373402 (cited by 3 submitters); PubMed 28603918 (cited by Labcorp Genetics (formerly Invitae), Labcorp); PubMed 17576681 (cited by Labcorp Genetics (formerly Invitae), Labcorp); PubMed 9536098 (cited by Labcorp Genetics (formerly Invitae), Labcorp); PubMed 23381846 (cited by Labcorp Genetics (formerly Invitae), Labcorp and Women's Health and Genetics/Laboratory Corporation of America, LabCorp).

NM_000492.4(CFTR):c.3964-3C>G

Gene: CFTR (CF transmembrane conductance regulator; plus strand). Cytogenetic location: 7q31.2.
Variant type: single nucleotide variant.
Coding change: c.3964-3C>G on transcript NM_000492.4 (MANE Select); 3 bases into the intron before coding-DNA position 3964, C replaced by G.
Molecular consequence: intron variant.
Genome position (GRCh38, 1-based): chr7:117,664,685, C>G. VCF-style: chr7-117664685-C-G. GRCh37 (hg19) VCF-style: chr7-117304739-C-G.
Identifiers: ClinVar variation 53864 (VCV000053864.6), dbSNP rs397508652, ClinGen allele CA327366.